The following is an entry in ClinVar:

ClinVar aggregate classification (germline): Likely benign. Review status: criteria provided, multiple submitters, no conflicts (2 of 4 stars). 4 submissions from 4 submitters: Likely benign (4). Last evaluated 2025-07-24.

Conditions:
Cardiovascular phenotype. Identifiers: MedGen CN230736.
Autosomal recessive limb-girdle muscular dystrophy type 2J (LGMDR10). Also called: Limb-girdle muscular dystrophy, type 2J; MUSCULAR DYSTROPHY, LIMB-GIRDLE, AUTOSOMAL RECESSIVE 10. Identifiers: Orphanet 140922, MedGen C1837342, MONDO:0012127, OMIM 608807.
Dilated cardiomyopathy 1G (CMD1G). Identifiers: Orphanet 154, MedGen C1858763, MONDO:0011400, OMIM 604145.

Allele frequency attached by ClinVar (database versions not stated): gnomAD 0.00001; gnomAD exomes 0.00001 and 0.00003; TOPMed 0.00001.
gnomAD v4.1: 40 of 1,611,256 alleles (0.0025%); highest among the groups gnomAD compares: Non-Finnish European, 0.0031%; no homozygotes.

Submissions (4):

Labcorp Genetics (formerly Invitae), Labcorp
Classification: Likely benign for Dilated cardiomyopathy 1G; Autosomal recessive limb-girdle muscular dystrophy type 2J. Last evaluated: 2025-07-24. Review status: criteria provided, single submitter. Criteria: Invitae Variant Classification Sherloc (09022015). Collection method: clinical testing. Allele origin: germline.

CeGaT Center for Human Genetics Tuebingen
Classification: Likely benign. Last evaluated: 2024-07-01. Review status: criteria provided, single submitter. Criteria: CeGaT Center For Human Genetics Tuebingen Variant Classification Criteria Version 2. Collection method: clinical testing. Allele origin: germline. Affected: yes. Observed: 1 variant allele.
Comment: TTN: BP4, BP7

Ambry Genetics
Classification: Likely benign for Cardiovascular phenotype. Last evaluated: 2017-03-16. Review status: criteria provided, single submitter. Criteria: Ambry Variant Classification Scheme 2023. Collection method: clinical testing. Allele origin: germline.

GeneDx
Classification: Likely benign. Last evaluated: 2017-01-12. Review status: criteria provided, single submitter. Criteria: GeneDx Variant Classification (06012015). Collection method: clinical testing. Allele origin: germline. Affected: yes.
Comment: This variant is considered likely benign or benign based on one or more of the following criteria: it is a conservative change, it occurs at a poorly conserved position in the protein, it is predicted to be benign by multiple in silico algorithms, and/or has population frequency not consistent with disease.

NM_001267550.2(TTN):c.84414C>T (p.Ser28138=)

Genes: TTN (titin; minus strand), TTN-AS1 (TTN antisense RNA 1; plus strand). Cytogenetic location: 2q31.2.
Variant type: single nucleotide variant.
Coding change: c.84414C>T on transcript NM_001267550.2 (MANE Select); coding-DNA position 84414, C replaced by T.
Protein change: p.Ser28138=; no amino-acid change (serine 28138 retained).
Molecular consequence: synonymous variant.
Genome position (GRCh38, 1-based): chr2:178,561,718, G>A on the plus strand (C>T on the coding strand, the complement: TTN is on the minus strand). VCF-style: chr2-178561718-G-A. GRCh37 (hg19) VCF-style: chr2-179426445-G-A.
Other names: c.79491C>T, p.Ser26497= (NM_001256850.1); c.57219C>T, p.Ser19073= (NM_003319.4); c.76710C>T, p.Ser25570= (NM_133378.4); c.57594C>T, p.Ser19198= (NM_133432.3); c.57795C>T, p.Ser19265= (NM_133437.4).
Identifiers: ClinVar variation 392979 (VCV000392979.31), dbSNP rs965406205, ClinGen allele CA16604099.